The following is an entry in ClinVar:

ClinVar aggregate classification (germline): Uncertain significance (1 of 4 stars; one submission).

gnomAD v4.1: 1 of 1,614,126 alleles (0.000062%); highest among the groups gnomAD compares: Admixed American, 0.0017%; no homozygotes.

Submission:

Labcorp Genetics (formerly Invitae), Labcorp
Classification: Uncertain significance. Last evaluated: 2023-11-27. Review status: criteria provided, single submitter. Criteria: Invitae Variant Classification Sherloc (09022015). Collection method: clinical testing. Allele origin: germline.
Comment: This sequence change replaces valine, which is neutral and non-polar, with methionine, which is neutral and non-polar, at codon 237 of the CA4 protein (p.Val237Met). This variant is present in population databases (no rsID available, gnomAD 0.003%). This variant has not been reported in the literature in individuals affected with CA4-related conditions. ClinVar contains an entry for this variant (Variation ID: 2012589). Advanced modeling of protein sequence and biophysical properties (such as structural, functional, and spatial information, amino acid conservation, physicochemical variation, residue mobility, and thermodynamic stability) has been performed at Invitae for this missense variant, however the output from this modeling did not meet the statistical confidence thresholds required to predict the impact of this variant on CA4 protein function. In summary, the available evidence is currently insufficient to determine the role of this variant in disease. Therefore, it has been classified as a Variant of Uncertain Significance.

NM_000717.5(CA4):c.709G>A (p.Val237Met)

Gene: CA4 (carbonic anhydrase 4; plus strand). Cytogenetic location: 17q23.1.
Variant type: single nucleotide variant.
Coding change: c.709G>A on transcript NM_000717.5 (MANE Select); coding-DNA position 709, G replaced by A.
Protein change: p.Val237Met; replaces valine 237 with methionine.
Molecular consequence: missense variant. On other transcripts: non-coding transcript variant (1).
Genome position (GRCh38, 1-based): chr17:60,158,411, G>A. VCF-style: chr17-60158411-G-A. GRCh37 (hg19) VCF-style: chr17-58235772-G-A.
Other names: short protein forms V237M.
Identifiers: ClinVar variation 2012589 (VCV002012589.4), dbSNP rs2229178, ClinGen allele CA400459872.